The following is an entry in ClinVar:

NM_015559.3(SETBP1):c.2732C>A (p.Thr911Lys)

Gene: SETBP1 (SET binding protein 1; plus strand). Cytogenetic location: 18q12.3.
Variant type: single nucleotide variant.
Coding change: c.2732C>A on transcript NM_015559.3 (MANE Select); coding-DNA position 2732, C replaced by A.
Protein change: p.Thr911Lys; replaces threonine 911 with lysine.
Molecular consequence: missense variant.
Genome position (GRCh38, 1-based): chr18:44,952,072, C>A. VCF-style: chr18-44952072-C-A. GRCh37 (hg19) VCF-style: chr18-42532037-C-A.
Other names: c.2732C>A, p.Thr911Lys (NM_001379141.1, NM_001379142.1); short protein forms T911K.
Identifiers: ClinVar variation 1494745 (VCV001494745.8), dbSNP rs2145106916, ClinGen allele CA402322094.

ClinVar aggregate classification (germline): Uncertain significance (1 of 4 stars; one submission).

Allele frequency attached by ClinVar (database versions not stated): gnomAD exomes below 0.00001.
gnomAD v4.1: 1 of 1,614,134 alleles (0.000062%); highest among the groups gnomAD compares: African/African-American, 0.0013%; no homozygotes.

Submission:

Labcorp Genetics (formerly Invitae), Labcorp
Classification: Uncertain significance. Last evaluated: 2021-02-12. Review status: criteria provided, single submitter. Criteria: Invitae Variant Classification Sherloc (09022015). Collection method: clinical testing. Allele origin: germline.
Comment: In summary, the available evidence is currently insufficient to determine the role of this variant in disease. Therefore, it has been classified as a Variant of Uncertain Significance. This sequence change replaces threonine with lysine at codon 911 of the SETBP1 protein (p.Thr911Lys). The threonine residue is highly conserved and there is a moderate physicochemical difference between threonine and lysine. This variant is not present in population databases (ExAC no frequency). This variant has not been reported in the literature in individuals with SETBP1-related conditions. Algorithms developed to predict the effect of missense changes on protein structure and function (SIFT, PolyPhen-2, Align-GVGD) all suggest that this variant is likely to be disruptive, but these predictions have not been confirmed by published functional studies and their clinical significance is uncertain.